The following is an entry in ClinVar:

ClinVar aggregate classification (germline): Pathogenic (1 of 4 stars; one submission).

Conditions:
Peroxisome biogenesis disorder 2B (PBD2B). Identifiers: Orphanet 44, MedGen C3550234, MONDO:0008736, OMIM 202370.

Submission:

Labcorp Genetics (formerly Invitae), Labcorp
Classification: Pathogenic for Peroxisome biogenesis disorder 2B. Last evaluated: 2025-03-02. Review status: criteria provided, single submitter. Criteria: Invitae Variant Classification Sherloc (09022015). Collection method: clinical testing. Allele origin: germline.
Comment: This sequence change creates a premature translational stop signal (p.Leu62*) in the PEX5 gene. It is expected to result in an absent or disrupted protein product. Loss-of-function variants in PEX5 are known to be pathogenic (PMID: 18712838, 21031596). This variant is not present in population databases (gnomAD no frequency). This variant has not been reported in the literature in individuals affected with PEX5-related conditions. Algorithms developed to predict the effect of sequence changes on RNA splicing suggest that this variant may create or strengthen a splice site. For these reasons, this variant has been classified as Pathogenic.

Literature cited by the submitters: PubMed 18712838; PubMed 21031596.

NM_001351132.2(PEX5):c.185T>A (p.Leu62Ter)

Gene: PEX5 (peroxisomal biogenesis factor 5; plus strand). Cytogenetic location: 12p13.31.
Variant type: single nucleotide variant.
Coding change: c.185T>A on transcript NM_001351132.2 (MANE Select); coding-DNA position 185, T replaced by A.
Protein change: p.Leu62Ter; replaces leucine 62 with a stop codon.
Molecular consequence: nonsense.
Genome position (GRCh38, 1-based): chr12:7,191,227, T>A. VCF-style: chr12-7191227-T-A. GRCh37 (hg19) VCF-style: chr12-7343823-T-A.
Other names: c.185T>A, p.Leu62Ter (NM_000319.5, NM_001131024.2, NM_001131025.2 and 19 more transcripts); c.230T>A, p.Leu77Ter (NM_001131023.2, NM_001351135.3, NM_001351138.2); short protein forms L77*, L62*.
Identifiers: ClinVar variation 4714129 (VCV004714129.1).
Genomic context (GRCh38, chr12:7,191,227, plus strand): 5'-TGCCTCTTGCTGGGGCCTCCCAAGCCTATGGGTTCATTTCATCATTTCCCTTCTGGCAGT[T>A]GGTGGCTGAATTCCTGCAGGACCAGAATGCACCCCTTGTGTCCCGTGCCCCTCAGACCTT-3'